The following is an entry in ClinVar:

NM_001134232.2(TMEM106B):c.472T>G (p.Tyr158Asp)

Gene: TMEM106B (transmembrane protein 106B; plus strand). Cytogenetic location: 7p21.3.
Variant type: single nucleotide variant.
Coding change: c.472T>G on transcript NM_001134232.2 (MANE Select); coding-DNA position 472, T replaced by G.
Protein change: p.Tyr158Asp; replaces tyrosine 158 with aspartic acid.
Molecular consequence: missense variant.
Genome position (GRCh38, 1-based): chr7:12,229,709, T>G. VCF-style: chr7-12229709-T-G. GRCh37 (hg19) VCF-style: chr7-12269335-T-G.
Other names: c.472T>G, p.Tyr158Asp (NM_018374.4); short protein forms Y158D.
Identifiers: ClinVar variation 4975633 (VCV004975633.1).
Genomic context (GRCh38, chr7:12,229,709, plus strand): 5'-TTGTAAATTTTCTGTGTCCTTTTTTTGTAGAACACACTAAATATAACAAACAATAACTAT[T>G]ACTCTGTCGAAGTTGAAAACATCACTGCCCAAGTTCAATTTTCAAAAACAGTTATTGGAA-3'
Protein context (NP_001127704.1, residues 148-168): NTLNITNNNY[Tyr158Asp]SVEVENITAQ

ClinVar aggregate classification (germline): Uncertain significance (1 of 4 stars; one submission).

Submission:

GeneDx
Classification: Uncertain significance. Last evaluated: 2026-01-31. Review status: criteria provided, single submitter. Criteria: GeneDx Variant Classification Process June 2021. Collection method: clinical testing. Allele origin: germline.
Comment: Not observed at significant frequency in large population cohorts (gnomAD); In silico analysis supports that this missense variant has a deleterious effect on protein structure/function; Has not been previously published as pathogenic or benign to our knowledge.